The following is an entry in ClinVar:

ClinVar aggregate classification (germline): Uncertain significance (1 of 4 stars; one submission).

gnomAD v4.1: 2 of 1,612,842 alleles (0.00012%); highest among the groups gnomAD compares: Non-Finnish European, 0.00017%; no homozygotes.

Submission:

GeneDx
Classification: Uncertain significance. Last evaluated: 2024-09-23. Review status: criteria provided, single submitter. Criteria: GeneDx Variant Classification Process June 2021. Collection method: clinical testing. Allele origin: germline. Affected: yes.
Comment: Not observed at significant frequency in large population cohorts (gnomAD); In silico analysis supports that this missense variant has a deleterious effect on protein structure/function; Has not been previously published as pathogenic or benign to our knowledge

NM_001303052.2(MYT1L):c.2872G>A (p.Gly958Arg)

Gene: MYT1L (myelin transcription factor 1 like; minus strand). Cytogenetic location: 2p25.3.
Variant type: single nucleotide variant.
Coding change: c.2872G>A on transcript NM_001303052.2 (MANE Select); coding-DNA position 2872, G replaced by A.
Protein change: p.Gly958Arg; replaces glycine 958 with arginine.
Molecular consequence: missense variant.
Genome position (GRCh38, 1-based): chr2:1,839,357, C>T on the plus strand (G>A on the coding strand, the complement: MYT1L is on the minus strand). VCF-style: chr2-1839357-C-T. GRCh37 (hg19) VCF-style: chr2-1843129-C-T.
Other names: c.2872G>A, p.Gly958Arg (NM_001329844.2, NM_001329845.1, NM_001329851.3); c.2866G>A, p.Gly956Arg (NM_001329846.3, NM_001329847.2, NM_001329848.1 and 3 more transcripts); short protein forms G956R, G958R.
Identifiers: ClinVar variation 3774266 (VCV003774266.1).
Genomic context (GRCh38, chr2:1,839,357, plus strand): 5'-ACCCGGAGGCGCTGCGATGGGACGCGTACTTCCCAGTGATGTGGCCCTGGCCGTCGCACC[C>T]GGGGACCGGACACCTGTAGGCAGGCAGAGGTGACACACTTTATTGTCTGGCCACCGTCGC-3'
Protein context (NP_001289981.1, residues 948-968): DQEPIRCPVP[Gly958Arg]CDGQGHITGK